The following is an entry in ClinVar:

NM_001048174.2(MUTYH):c.1310C>A (p.Pro437Gln)

Gene: MUTYH (mutY DNA glycosylase; minus strand). Cytogenetic location: 1p34.1.
Variant type: single nucleotide variant.
Coding change: c.1310C>A on transcript NM_001048174.2 (MANE Select); coding-DNA position 1310, C replaced by A.
Protein change: p.Pro437Gln; replaces proline 437 with glutamine.
Molecular consequence: missense variant. On other transcripts: non-coding transcript variant (7).
Genome position (GRCh38, 1-based): chr1:45,331,264, G>T on the plus strand (C>A on the coding strand, the complement: MUTYH is on the minus strand). VCF-style: chr1-45331264-G-T. GRCh37 (hg19) VCF-style: chr1-45796936-G-T.
Other names: c.1310C>A, p.Pro437Gln (NM_001407073.1, NM_001407081.1, NM_001048171.2 and 6 more transcripts); c.1226C>A, p.Pro409Gln (NM_001407075.1); c.1343C>A, p.Pro448Gln (NM_001407077.1, NM_001293191.2, NM_001407069.1); c.1313C>A, p.Pro438Gln (NM_001407078.1, NM_001048172.2, NM_001407071.1 and 1 more transcripts); c.1271C>A, p.Pro424Gln (NM_001407079.1); c.1268C>A, p.Pro423Gln (NM_001407080.1); c.965C>A, p.Pro322Gln (NM_001407082.1, NM_001350650.2, NM_001350651.2); c.1352C>A, p.Pro451Gln (NM_001407083.1, NM_001407085.1); and 5 more; short protein forms P322Q, P437Q, P444Q, P448Q, P452Q, P462Q, P465Q, P424Q.
Identifiers: ClinVar variation 4113212 (VCV004113212.1).

ClinVar aggregate classification (germline): Uncertain significance (1 of 4 stars; one submission).

Conditions:
Hereditary cancer-predisposing syndrome. Also called: Tumor predisposition; Neoplastic Syndromes, Hereditary; Hereditary neoplastic syndrome; Hereditary Cancer Syndrome. Identifiers: Orphanet 140162, MedGen C0027672, MeSH D009386, MONDO:0015356.

Submission:

Ambry Genetics
Classification: Uncertain significance for Hereditary cancer-predisposing syndrome. Last evaluated: 2025-08-27. Review status: criteria provided, single submitter. Criteria: Ambry Variant Classification Scheme 2023. Collection method: clinical testing. Allele origin: germline.
Comment: The p.P465Q variant (also known as c.1394C>A), located in coding exon 14 of the MUTYH gene, results from a C to A substitution at nucleotide position 1394. The proline at codon 465 is replaced by glutamine, an amino acid with similar properties. This amino acid position is conserved. In addition, this alteration is predicted to be tolerated by in silico analysis. Based on the available evidence, the clinical significance of this variant remains unclear.